The following is an entry in ClinVar:

ClinVar aggregate classification (germline): Uncertain significance (1 of 4 stars; one submission).

Conditions:
Autosomal dominant childhood-onset proximal spinal muscular atrophy with contractures (SMALED2A). Also called: Spinal muscular atrophy, lower extremity-predominant, 2A, autosomal dominant; SPINAL MUSCULAR ATROPHY, LOWER EXTREMITY-PREDOMINANT, 2A, CHILDHOOD ONSET, AUTOSOMAL DOMINANT. Identifiers: Orphanet 363447, Orphanet 363454, MedGen C4747715, MONDO:0014121, OMIM 615290.

Submission:

Labcorp Genetics (formerly Invitae), Labcorp
Classification: Uncertain significance for Autosomal dominant childhood-onset proximal spinal muscular atrophy with contractures. Last evaluated: 2021-06-29. Review status: criteria provided, single submitter. Criteria: Invitae Variant Classification Sherloc (09022015). Collection method: clinical testing. Allele origin: germline.
Comment: This sequence change replaces threonine with serine at codon 725 of the BICD2 protein (p.Thr725Ser). The threonine residue is highly conserved and there is a small physicochemical difference between threonine and serine. This variant is not present in population databases (ExAC no frequency). This variant has not been reported in the literature in individuals affected with BICD2-related conditions. Advanced modeling of protein sequence and biophysical properties (such as structural, functional, and spatial information, amino acid conservation, physicochemical variation, residue mobility, and thermodynamic stability) performed at Invitae indicates that this missense variant is expected to disrupt BICD2 protein function. In summary, the available evidence is currently insufficient to determine the role of this variant in disease. Therefore, it has been classified as a Variant of Uncertain Significance.

NM_001003800.2(BICD2):c.2173A>T (p.Thr725Ser)

Gene: BICD2 (BICD cargo adaptor 2; minus strand). Cytogenetic location: 9q22.31.
Variant type: single nucleotide variant.
Coding change: c.2173A>T on transcript NM_001003800.2 (MANE Select); coding-DNA position 2173, A replaced by T.
Protein change: p.Thr725Ser; replaces threonine 725 with serine.
Molecular consequence: missense variant.
Genome position (GRCh38, 1-based): chr9:92,717,882, T>A on the plus strand (A>T on the coding strand, the complement: BICD2 is on the minus strand). VCF-style: chr9-92717882-T-A. GRCh37 (hg19) VCF-style: chr9-95480164-T-A.
Other names: c.2173A>T, p.Thr725Ser (NM_015250.4); short protein forms T725S.
Identifiers: ClinVar variation 1403441 (VCV001403441.8), dbSNP rs2131498763, ClinGen allele CA374032712.